The following is an entry in ClinVar:

NM_016239.4(MYO15A):c.10080C>T (p.Ser3360=)

Gene: MYO15A (myosin XVA; plus strand). Cytogenetic location: 17p11.2.
Variant type: single nucleotide variant.
Coding change: c.10080C>T on transcript NM_016239.4 (MANE Select); coding-DNA position 10080, C replaced by T.
Protein change: p.Ser3360=; no amino-acid change (serine 3360 retained).
Molecular consequence: synonymous variant.
Genome position (GRCh38, 1-based): chr17:18,167,721, C>T. VCF-style: chr17-18167721-C-T. GRCh37 (hg19) VCF-style: chr17-18071035-C-T.
Identifiers: ClinVar variation 1331108 (VCV001331108.5), dbSNP rs377220224, ClinGen allele CA8425782.
Genomic context (GRCh38, chr17:18,167,721, plus strand): 5'-GCAGGTGTCCAAGCTGGCTTCACTGCAGCATCGCGCCAAGGACCACTTCTACCTGCCGAG[C>T]GTGTGAGCATCTGCCCTCCTGCCTCAGCTGGGGTGGACAGGCAACCCTGCCCTCTCAGCC-3'
Protein context (NP_057323.3, residues 3350-3370): HRAKDHFYLP[Ser3360=]VREVQEYIPA

ClinVar aggregate classification (germline): Uncertain significance. Review status: criteria provided, multiple submitters, no conflicts (2 of 4 stars). 2 submissions from 2 submitters: Uncertain significance (2). Last evaluated 2025-06-13.

Allele frequency attached by ClinVar (database versions not stated): gnomAD 0.00004 and 0.00001; TOPMed 0.00005; ExAC 0.00007; ESP Exome Variant Server 0.00008; gnomAD exomes 0.00007.

Submissions (2):

GeneDx
Classification: Uncertain significance. Last evaluated: 2025-06-13. Review status: criteria provided, single submitter. Criteria: GeneDx Variant Classification Process June 2021. Collection method: clinical testing. Allele origin: germline. Affected: yes.
Comment: In silico analysis supports a deleterious effect on splicing; Has not been previously published as pathogenic or benign to our knowledge

Labcorp Genetics (formerly Invitae), Labcorp
Classification: Uncertain significance. Last evaluated: 2021-11-25. Review status: criteria provided, single submitter. Criteria: Invitae Variant Classification Sherloc (09022015). Collection method: clinical testing. Allele origin: germline.
Comment: This sequence change affects codon 3360 of the MYO15A mRNA. It is a 'silent' change, meaning that it does not change the encoded amino acid sequence of the MYO15A protein. This variant is present in population databases (rs377220224, gnomAD 0.03%). This variant has not been reported in the literature in individuals affected with MYO15A-related conditions. Algorithms developed to predict the effect of sequence changes on RNA splicing suggest that this variant may create or strengthen a splice site. In summary, the available evidence is currently insufficient to determine the role of this variant in disease. Therefore, it has been classified as a Variant of Uncertain Significance.